The following is an entry in ClinVar:

ClinVar aggregate classification (germline): Conflicting classifications of pathogenicity. Review status: criteria provided, conflicting classifications (1 of 4 stars). 2 submissions from 2 submitters: Uncertain significance (1); Likely benign (1). Last evaluated 2024-06-10.

Conditions:
Inflammatory bowel disease 28. Also called: Inflammatory bowel disease 28, early onset, autosomal recessive. Identifiers: Orphanet 238569, MedGen C2751053, MONDO:0013153, OMIM 613148.

Allele frequency attached by ClinVar (database versions not stated): ESP Exome Variant Server 0.00008; 1000 Genomes Project 30x 0.00016; 1000 Genomes Project 0.00020.

Submissions (2):

Labcorp Genetics (formerly Invitae), Labcorp
Classification: Likely benign for Inflammatory bowel disease 28. Last evaluated: 2024-06-10. Review status: criteria provided, single submitter. Criteria: Invitae Variant Classification Sherloc (09022015). Collection method: clinical testing. Allele origin: germline.

GeneDx
Classification: Uncertain significance. Last evaluated: 2024-03-24. Review status: criteria provided, single submitter. Criteria: GeneDx Variant Classification Process June 2021. Collection method: clinical testing. Allele origin: germline. Affected: yes.
Comment: In silico analysis supports that this variant does not alter splicing; Has not been previously published as pathogenic or benign to our knowledge

NM_001558.4(IL10RA):c.301C>A (p.Arg101=)

Gene: IL10RA (interleukin 10 receptor subunit alpha; plus strand). Cytogenetic location: 11q23.3.
Variant type: single nucleotide variant.
Coding change: c.301C>A on transcript NM_001558.4 (MANE Select); coding-DNA position 301, C replaced by A.
Protein change: p.Arg101=; no amino-acid change (arginine 101 retained).
Molecular consequence: synonymous variant. On other transcripts: non-coding transcript variant (1).
Genome position (GRCh38, 1-based): chr11:117,989,554, C>A. VCF-style: chr11-117989554-C-A. GRCh37 (hg19) VCF-style: chr11-117860269-C-A.
Identifiers: ClinVar variation 1126309 (VCV001126309.11), dbSNP rs368287711, ClinGen allele CA6298890.